The following is an entry in ClinVar:

ClinVar aggregate classification (germline): Uncertain significance (1 of 4 stars; one submission).

Conditions:
Multiple congenital exostosis (EXT). Also called: Multiple exostoses; Hereditary multiple osteochondromas; Hereditary multiple exostoses; Hereditary multiple exostosis; MULTIPLE CARTILAGINOUS EXOSTOSES; Multiple osteochondromas. Identifiers: Orphanet 321, MedGen C0015306, MONDO:0005508, HP:0002762.

gnomAD v4.1: 1 of 1,614,184 alleles (0.000062%); highest among the groups gnomAD compares: Non-Finnish European, 0.000085%; no homozygotes.

Submission:

Labcorp Genetics (formerly Invitae), Labcorp
Classification: Uncertain significance for Multiple congenital exostosis. Last evaluated: 2025-10-21. Review status: criteria provided, single submitter. Criteria: Invitae Variant Classification Sherloc (09022015). Collection method: clinical testing. Allele origin: germline.
Comment: This sequence change creates a premature translational stop signal (p.Gln721*) in the EXT1 gene. While this is not anticipated to result in nonsense mediated decay, it is expected to disrupt the last 26 amino acid(s) of the EXT1 protein. This variant is present in population databases (rs764391436, gnomAD 0.006%). This variant has not been reported in the literature in individuals affected with EXT1-related conditions. Algorithms developed to predict the effect of sequence changes on RNA splicing suggest that this variant may disrupt the consensus splice site. In summary, the available evidence is currently insufficient to determine the role of this variant in disease. Therefore, it has been classified as a Variant of Uncertain Significance.

NM_000127.3(EXT1):c.2161C>T (p.Gln721Ter)

Gene: EXT1 (exostosin glycosyltransferase 1; minus strand). Cytogenetic location: 8q24.11.
Variant type: single nucleotide variant.
Coding change: c.2161C>T on transcript NM_000127.3 (MANE Select); coding-DNA position 2161, C replaced by T.
Protein change: p.Gln721Ter; replaces glutamine 721 with a stop codon.
Molecular consequence: nonsense.
Genome position (GRCh38, 1-based): chr8:117,799,792, G>A on the plus strand (C>T on the coding strand, the complement: EXT1 is on the minus strand). VCF-style: chr8-117799792-G-A. GRCh37 (hg19) VCF-style: chr8-118812031-G-A.
Other names: short protein forms Q721*.
Identifiers: ClinVar variation 4698272 (VCV004698272.1).